The following is an entry in ClinVar:

NM_000441.2(SLC26A4):c.659T>C (p.Val220Ala)

Gene: SLC26A4 (solute carrier family 26 member 4; plus strand). Cytogenetic location: 7q22.3.
Variant type: single nucleotide variant.
Coding change: c.659T>C on transcript NM_000441.2 (MANE Select); coding-DNA position 659, T replaced by C.
Protein change: p.Val220Ala; replaces valine 220 with alanine.
Molecular consequence: missense variant.
Genome position (GRCh38, 1-based): chr7:107,675,003, T>C. VCF-style: chr7-107675003-T-C. GRCh37 (hg19) VCF-style: chr7-107315448-T-C.
Other names: c.659T>C (NM_000441.1); short protein forms V220A.
Identifiers: ClinVar variation 2416257 (VCV002416257.6), dbSNP rs201322683, ClinGen allele CA4432543.
Genomic context (GRCh38, chr7:107,675,003, plus strand): 5'-AGTTGATATTTGGTGGCTTGCAGATTGGATTCATAGTGAGGTACTTGGCAGATCCTTTGG[T>C]TGGTGGCTTCACAACAGCTGCTGCCTTCCAAGTGCTGGTCTCACAGCTAAAGATTGTCCT-3'
Protein context (NP_000432.1, residues 210-230): FIVRYLADPL[Val220Ala]GGFTTAAAFQ

ClinVar aggregate classification (germline): Uncertain significance. Review status: criteria provided, multiple submitters, no conflicts (2 of 4 stars). 2 submissions from 2 submitters: Uncertain significance (2). Last evaluated 2026-03-03.

Allele frequency attached by ClinVar (database versions not stated): ExAC 0.00002; gnomAD 0.00008; ESP Exome Variant Server 0.00008; 1000 Genomes Project 0.00020; gnomAD exomes 0.00001; TOPMed 0.00011; 1000 Genomes Project 30x 0.00016.
gnomAD v4.1: 26 of 1,613,992 alleles (0.0016%); highest among the groups gnomAD compares: African/African-American, 0.028%; no homozygotes.

Submissions (2):

GeneDx
Classification: Uncertain significance. Last evaluated: 2026-03-03. Review status: criteria provided, single submitter. Criteria: GeneDx Variant Classification Process June 2021. Collection method: clinical testing. Allele origin: germline.
Comment: In silico analysis supports that this missense variant has a deleterious effect on protein structure/function; Has not been previously published as pathogenic or benign in association with hearing loss to our knowledge; This variant is associated with the following publications: (PMID: 29772533)

Labcorp Genetics (formerly Invitae), Labcorp
Classification: Uncertain significance. Last evaluated: 2024-11-18. Review status: criteria provided, single submitter. Criteria: Invitae Variant Classification Sherloc (09022015). Collection method: clinical testing. Allele origin: germline.
Comment: This sequence change replaces valine, which is neutral and non-polar, with alanine, which is neutral and non-polar, at codon 220 of the SLC26A4 protein (p.Val220Ala). This variant is present in population databases (rs201322683, gnomAD 0.03%). This variant has not been reported in the literature in individuals affected with SLC26A4-related conditions. ClinVar contains an entry for this variant (Variation ID: 2416257). Invitae Evidence Modeling of protein sequence and biophysical properties (such as structural, functional, and spatial information, amino acid conservation, physicochemical variation, residue mobility, and thermodynamic stability) indicates that this missense variant is expected to disrupt SLC26A4 protein function with a positive predictive value of 95%. In summary, the available evidence is currently insufficient to determine the role of this variant in disease. Therefore, it has been classified as a Variant of Uncertain Significance.